The following is an entry in ClinVar:

NM_006080.3(SEMA3A):c.1741G>A (p.Glu581Lys)

Gene: SEMA3A (semaphorin 3A; minus strand). Cytogenetic location: 7q21.11.
Variant type: single nucleotide variant.
Coding change: c.1741G>A on transcript NM_006080.3 (MANE Select); coding-DNA position 1741, G replaced by A.
Protein change: p.Glu581Lys; replaces glutamic acid 581 with lysine.
Molecular consequence: missense variant.
Genome position (GRCh38, 1-based): chr7:83,963,324, C>T on the plus strand (G>A on the coding strand, the complement: SEMA3A is on the minus strand). VCF-style: chr7-83963324-C-T. GRCh37 (hg19) VCF-style: chr7-83592640-C-T.
Other names: short protein forms E581K.
Identifiers: ClinVar variation 4982642 (VCV004982642.1).

ClinVar aggregate classification (germline): Uncertain significance (1 of 4 stars; one submission).

Conditions:
SEMA3A-related disorder. Also called: SEMA3A-related condition.

gnomAD v4.1: 4 of 1,613,426 alleles (0.00025%); highest among the groups gnomAD compares: East Asian, 0.0022%; no homozygotes.

Submission:

PreventionGenetics, part of Exact Sciences
Classification: Uncertain significance for SEMA3A-related condition. Last evaluated: 2026-09-03. Review status: criteria provided, single submitter. Criteria: ACMG Guidelines, 2015. Collection method: clinical testing. Allele origin: germline.
Comment: The SEMA3A c.1741G>A variant is predicted to result in the amino acid substitution p.Glu581Lys. To our knowledge, this variant has not been reported in the literature. This variant is reported in 0.0054% of alleles in individuals of East Asian descent in gnomAD. At this time, the clinical significance of this variant is uncertain due to the absence of conclusive functional and genetic evidence.